The following is an entry in ClinVar:

ClinVar aggregate classification (germline): Uncertain significance (1 of 4 stars; one submission).

Allele frequency attached by ClinVar (database versions not stated): gnomAD exomes below 0.00001.
gnomAD v4.1: 2 of 1,613,974 alleles (0.00012%); highest among the groups gnomAD compares: Non-Finnish European, 0.00017%; no homozygotes.

Submission:

Labcorp Genetics (formerly Invitae), Labcorp
Classification: Uncertain significance. Last evaluated: 2023-12-12. Review status: criteria provided, single submitter. Criteria: Invitae Variant Classification Sherloc (09022015). Collection method: clinical testing. Allele origin: germline.
Comment: This sequence change replaces valine, which is neutral and non-polar, with isoleucine, which is neutral and non-polar, at codon 2082 of the FAT1 protein (p.Val2082Ile). This variant is not present in population databases (gnomAD no frequency). This variant has not been reported in the literature in individuals affected with FAT1-related conditions. Advanced modeling of protein sequence and biophysical properties (such as structural, functional, and spatial information, amino acid conservation, physicochemical variation, residue mobility, and thermodynamic stability) performed at Invitae indicates that this missense variant is not expected to disrupt FAT1 protein function with a negative predictive value of 80%. In summary, the available evidence is currently insufficient to determine the role of this variant in disease. Therefore, it has been classified as a Variant of Uncertain Significance.

NM_005245.4(FAT1):c.6244G>A (p.Val2082Ile)

Gene: FAT1 (FAT atypical cadherin 1; minus strand). Cytogenetic location: 4q35.2.
Variant type: single nucleotide variant.
Coding change: c.6244G>A on transcript NM_005245.4 (MANE Select); coding-DNA position 6244, G replaced by A.
Protein change: p.Val2082Ile; replaces valine 2082 with isoleucine.
Molecular consequence: missense variant.
Genome position (GRCh38, 1-based): chr4:186,620,342, C>T on the plus strand (G>A on the coding strand, the complement: FAT1 is on the minus strand). VCF-style: chr4-186620342-C-T. GRCh37 (hg19) VCF-style: chr4-187541496-C-T.
Other names: short protein forms V2082I.
Identifiers: ClinVar variation 2819713 (VCV002819713.3), dbSNP rs2477513804, ClinGen allele CA358969160.
Genomic context (GRCh38, chr4:186,620,342, plus strand): 5'-AGCGAATGACATGGCCCACCTCAGTGTCCACTTTAACAACGGCGTAGTAGGGAAGGTTGA[C>T]AAACACCGGCGCATTATCATTTTGGTCTTCTACAATGACCTTCACGACAACGTGGGCCAC-3'
Protein context (NP_005236.2, residues 2072-2092): EDQNDNAPVF[Val2082Ile]NLPYYAVVKV